The following is an entry in ClinVar:

ClinVar aggregate classification (germline): Likely benign (1 of 4 stars; one submission).

Allele frequency attached by ClinVar (database versions not stated): TOPMed below 0.00001.
gnomAD v4.1: 4 of 1,613,016 alleles (0.00025%); highest among the groups gnomAD compares: Non-Finnish European, 0.00034%; no homozygotes.

Submission:

GeneDx
Classification: Likely benign. Last evaluated: 2012-06-14. Review status: criteria provided, single submitter. Criteria: GeneDx Variant Classification (06012015). Collection method: clinical testing. Allele origin: germline. Affected: yes.
Comment: This variant is considered likely benign or benign based on one or more of the following criteria: it is a conservative change, it occurs at a poorly conserved position in the protein, it is predicted to be benign by multiple in silico algorithms, and/or has population frequency not consistent with disease.

NM_198904.4(GABRG2):c.*20A>C

Gene: GABRG2 (gamma-aminobutyric acid type A receptor subunit gamma2; plus strand). Cytogenetic location: 5q34.
Variant type: single nucleotide variant.
Coding change: c.*20A>C on transcript NM_198904.4 (MANE Select); 20 bases downstream of the stop codon, A replaced by C.
Molecular consequence: 3 prime UTR variant.
Genome position (GRCh38, 1-based): chr5:162,153,388, A>C. VCF-style: chr5-162153388-A-C. GRCh37 (hg19) VCF-style: chr5-161580394-A-C.
Other names: c.*20A>C (NM_000816.3, NM_001375339.1, NM_001375341.1 and 10 more transcripts); c.*282A>C (NM_001375340.1).
Identifiers: ClinVar variation 205535 (VCV000205535.2), dbSNP rs796052501, ClinGen allele CA314698.